The following is an entry in ClinVar:

ClinVar aggregate classification (germline): Pathogenic (1 of 4 stars; one submission).

Conditions:
Glycogen storage disease IXa1. Also called: GLYCOGEN STORAGE DISEASE VIII; GSD VIII; Glycogen storage disease 8; LIVER GLYCOGENOSIS, X-LINKED, TYPE I. Identifiers: Orphanet 264580, MedGen C3694531, MONDO:0010598, OMIM 306000.

Submission:

Labcorp Genetics (formerly Invitae), Labcorp
Classification: Pathogenic for Glycogen storage disease type VIII. Last evaluated: 2019-09-09. Review status: criteria provided, single submitter. Criteria: Invitae Variant Classification Sherloc (09022015). Collection method: clinical testing. Allele origin: germline.
Comment: This variant is a gross deletion of the genomic region encompassing exons 1-13 of the PHKA2 gene, which includes the initiator codon. The 5' end of this event is unknown as it extends beyond the assayed region for this gene and therefore may encompass additional genes. The 3' boundary is likely confined to intron 13 of the PHKA2 gene. This is expected to result in an absent or disrupted protein product. Loss-of-function variants in PHKA2 are known to be pathogenic (PMID: 7711737, 10330341). For these reasons, this variant has been classified as Pathogenic.

NC_000023.11:g.(?_18929208)_(18983952_?)del

Gene: PHKA2 (phosphorylase kinase regulatory subunit alpha 2; minus strand). Cytogenetic location: Xp22.13.
Variant type: Deletion.
Identifiers: ClinVar variation 833058 (VCV000833058.1).